The following is an entry in ClinVar:

Single allele

Genes: ADAMTS17 (ADAM metallopeptidase with thrombospondin type 1 motif 17; minus strand), MEF2A (myocyte enhancer factor 2A; plus strand), ALDH1A3 (aldehyde dehydrogenase 1 family member A3; plus strand), ASB7 (ankyrin repeat and SOCS box containing 7; plus strand), CERS3 (ceramide synthase 3; minus strand) and 16 more. Cytogenetic location: 15q26.3.
Variant type: Deletion.
Identifiers: ClinVar variation 2671598 (VCV002671598.1).

ClinVar aggregate classification (germline): Pathogenic (1 of 4 stars; one submission).

Submission:

Illumina Laboratory Services, Illumina
Classification: Pathogenic. Last evaluated: 2023-08-15. Review status: criteria provided, single submitter. Criteria: ICSL CNVClassificationCriteria Aug2020. Collection method: clinical testing. Allele origin: unknown.
Comment: This CNV is a 3.8 Mb deletion of 15q26.3 on chromosome 15, seq[GRCh37]del(15)(q26.3), NC_000015.9:g.98565904_102400021del, which is found in a de novo state. This CNV encompasses 21 protein coding genes, including the IGF1R, ALDH1A3, LRRK1, CHSY1, SELENOS, SNRPA1, and PCSK6 genes. Deletions of 15q26.3, both including and distal to IGF1R, have been reported in more than 30 individuals with phenotypes that include poor pre- or postnatal growth, developmental delay or intellectual disability, facial dysmorphism, congenital heart defects, skeletal anomalies, and microcephaly (PMID: 19344873; 27826649; 29165669; 37434556). In some cases, the deletions were shown to occur de novo. A microdeletion of 15q26.3 affecting the IGF1R gene has also been shown to segregate with short stature in one three-generation family (PMID: 19955558). Similar deletions are not common in controls. Based on the available evidence, this CNV is classified as pathogenic.